The following is an entry in ClinVar:

ClinVar aggregate classification (germline): Uncertain significance. Review status: criteria provided, multiple submitters, no conflicts (2 of 4 stars). 2 submissions from 2 submitters: Uncertain significance (2). Last evaluated 2024-10-17.

Conditions:
Inborn genetic diseases. Identifiers: MedGen C0950123, MeSH D030342.

Allele frequency attached by ClinVar (database versions not stated): ESP Exome Variant Server 0.00008.
gnomAD v4.1: 17 of 1,614,050 alleles (0.0011%); highest among the groups gnomAD compares: Non-Finnish European, 0.00025%; no homozygotes.

Submissions (2):

Ambry Genetics
Classification: Uncertain significance for Inborn genetic diseases. Last evaluated: 2024-10-17. Review status: criteria provided, single submitter. Criteria: Ambry Variant Classification Scheme 2023. Collection method: clinical testing. Allele origin: germline.

Labcorp Genetics (formerly Invitae), Labcorp
Classification: Uncertain significance. Last evaluated: 2022-08-20. Review status: criteria provided, single submitter. Criteria: Invitae Variant Classification Sherloc (09022015). Collection method: clinical testing. Allele origin: germline.
Comment: This sequence change replaces arginine, which is basic and polar, with proline, which is neutral and non-polar, at codon 154 of the C9 protein (p.Arg154Pro). The frequency data for this variant in the population databases is considered unreliable, as metrics indicate poor data quality at this position in the gnomAD database. This variant has not been reported in the literature in individuals affected with C9-related conditions. Algorithms developed to predict the effect of missense changes on protein structure and function are either unavailable or do not agree on the potential impact of this missense change (SIFT: "Not Available"; PolyPhen-2: "Probably Damaging"; Align-GVGD: "Not Available"). In summary, the available evidence is currently insufficient to determine the role of this variant in disease. Therefore, it has been classified as a Variant of Uncertain Significance.

NM_001737.5(C9):c.461G>C (p.Arg154Pro)

Gene: C9 (complement C9; minus strand). Cytogenetic location: 5p13.1.
Variant type: single nucleotide variant.
Coding change: c.461G>C on transcript NM_001737.5 (MANE Select); coding-DNA position 461, G replaced by C.
Protein change: p.Arg154Pro; replaces arginine 154 with proline.
Molecular consequence: missense variant.
Genome position (GRCh38, 1-based): chr5:39,341,161, C>G on the plus strand (G>C on the coding strand, the complement: C9 is on the minus strand). VCF-style: chr5-39341161-C-G. GRCh37 (hg19) VCF-style: chr5-39341263-C-G.
Other names: short protein forms R154P.
Identifiers: ClinVar variation 1982623 (VCV001982623.2), dbSNP rs368001255, ClinGen allele CA3247008.